The following is an entry in ClinVar:

NM_207391.3(RGS9BP):c.397A>C (p.Ser133Arg)

Gene: RGS9BP (regulator of G protein signaling 9 binding protein; plus strand). Cytogenetic location: 19q13.11.
Variant type: single nucleotide variant.
Coding change: c.397A>C on transcript NM_207391.3 (MANE Select); coding-DNA position 397, A replaced by C.
Protein change: p.Ser133Arg; replaces serine 133 with arginine.
Molecular consequence: missense variant.
Genome position (GRCh38, 1-based): chr19:32,676,660, A>C. VCF-style: chr19-32676660-A-C. GRCh37 (hg19) VCF-style: chr19-33167566-A-C.
Other names: short protein forms S133R.
Identifiers: ClinVar variation 1382536 (VCV001382536.6), dbSNP rs558890871, ClinGen allele CA9357536.

ClinVar aggregate classification (germline): Conflicting classifications of pathogenicity. Review status: criteria provided, conflicting classifications (1 of 4 stars). 2 submissions from 2 submitters: Uncertain significance (1); Benign (1). Last evaluated 2024-08-02.

Allele frequency attached by ClinVar (database versions not stated): gnomAD 0.00001 and 0.00009; TOPMed 0.00002; 1000 Genomes Project 30x 0.00125; ExAC 0.00149; 1000 Genomes Project 0.00180.

Submissions (2):

Blueprint Genetics
Classification: Benign. Last evaluated: 2024-08-02. Review status: criteria provided, single submitter. Criteria: ACMG Guidelines, 2015. Collection method: clinical testing. Allele origin: germline.

Labcorp Genetics (formerly Invitae), Labcorp
Classification: Uncertain significance. Last evaluated: 2022-08-03. Review status: criteria provided, single submitter. Criteria: Invitae Variant Classification Sherloc (09022015). Collection method: clinical testing. Allele origin: germline.
Comment: This sequence change replaces serine, which is neutral and polar, with arginine, which is basic and polar, at codon 133 of the RGS9BP protein (p.Ser133Arg). This variant is present in population databases (rs558890871, gnomAD 0.2%). This variant has not been reported in the literature in individuals affected with RGS9BP-related conditions. ClinVar contains an entry for this variant (Variation ID: 1382536). Algorithms developed to predict the effect of missense changes on protein structure and function (SIFT, PolyPhen-2, Align-GVGD) all suggest that this variant is likely to be tolerated. In summary, the available evidence is currently insufficient to determine the role of this variant in disease. Therefore, it has been classified as a Variant of Uncertain Significance.